The following is an entry in ClinVar:

ClinVar aggregate classification (germline): Uncertain significance (1 of 4 stars; one submission).

Allele frequency attached by ClinVar (database versions not stated): gnomAD exomes below 0.00001; TOPMed below 0.00001.
gnomAD v4.1: 2 of 1,613,926 alleles (0.00012%); highest among the groups gnomAD compares: Non-Finnish European, 0.000085%; no homozygotes.

Submission:

Labcorp Genetics (formerly Invitae), Labcorp
Classification: Uncertain significance. Last evaluated: 2022-11-08. Review status: criteria provided, single submitter. Criteria: Invitae Variant Classification Sherloc (09022015). Collection method: clinical testing. Allele origin: germline.
Comment: ClinVar contains an entry for this variant (Variation ID: 1363751). This variant has not been reported in the literature in individuals affected with SLC24A5-related conditions. This variant is not present in population databases (gnomAD no frequency). This sequence change replaces histidine, which is basic and polar, with tyrosine, which is neutral and polar, at codon 24 of the SLC24A5 protein (p.His24Tyr). Algorithms developed to predict the effect of missense changes on protein structure and function output the following: SIFT: "Tolerated"; PolyPhen-2: "Benign"; Align-GVGD: "Class C0". The tyrosine amino acid residue is found in multiple mammalian species, which suggests that this missense change does not adversely affect protein function. In summary, the available evidence is currently insufficient to determine the role of this variant in disease. Therefore, it has been classified as a Variant of Uncertain Significance.

NM_205850.3(SLC24A5):c.70C>T (p.His24Tyr)

Gene: SLC24A5 (solute carrier family 24 member 5; plus strand). Cytogenetic location: 15q21.1.
Variant type: single nucleotide variant.
Coding change: c.70C>T on transcript NM_205850.3 (MANE Select); coding-DNA position 70, C replaced by T.
Protein change: p.His24Tyr; replaces histidine 24 with tyrosine.
Molecular consequence: missense variant.
Genome position (GRCh38, 1-based): chr15:48,121,114, C>T. VCF-style: chr15-48121114-C-T. GRCh37 (hg19) VCF-style: chr15-48413311-C-T.
Other names: short protein forms H24Y.
Identifiers: ClinVar variation 1363751 (VCV001363751.6), dbSNP rs2038674832, ClinGen allele CA392446806.